The following is an entry in ClinVar:

ClinVar aggregate classification (germline): Uncertain significance. Review status: criteria provided, multiple submitters, no conflicts (2 of 4 stars). 3 submissions from 3 submitters: Uncertain significance (3). Last evaluated 2026-05-26.

Conditions:
Hereditary breast ovarian cancer syndrome. Also called: Hereditary breast and ovarian cancer; Breast and ovarian cancer; Hereditary breast and/or ovarian cancer syndrome; Hereditary breast and ovarian cancer syndrome; Hereditary breast and ovarian cancer syndrome (HBOC); BRCA1- and BRCA2-Associated Hereditary Breast and Ovarian Cancer. Identifiers: Orphanet 145, MedGen C0677776, MeSH D061325, MONDO:0003582. Disease mechanism: loss of function.
Breast-ovarian cancer, familial, susceptibility to, 2 (BROVCA2). Also called: BRCA2 Hereditary Breast and Ovarian Cancer. Identifiers: Orphanet 145, MedGen C2675520, MONDO:0012933, OMIM 612555. Disease mechanism: loss of function.
Hereditary cancer-predisposing syndrome. Also called: Tumor predisposition; Neoplastic Syndromes, Hereditary; Hereditary Cancer Syndrome; Hereditary neoplastic syndrome. Identifiers: Orphanet 140162, MedGen C0027672, MeSH D009386, MONDO:0015356.

Submissions (3):

Ambry Genetics
Classification: Uncertain significance for Hereditary cancer-predisposing syndrome. Last evaluated: 2026-05-26. Review status: criteria provided, single submitter. Criteria: Ambry Variant Classification Scheme 2023. Collection method: clinical testing. Allele origin: germline.
Comment: The p.L2362V variant (also known as c.7084T>G), located in coding exon 13 of the BRCA2 gene, results from a T to G substitution at nucleotide position 7084. The leucine at codon 2362 is replaced by valine, an amino acid with highly similar properties. This amino acid position is conserved. In addition, this alteration is predicted to be tolerated by in silico analysis. Based on the available evidence, the clinical significance of this variant remains unclear.

All of Us Research Program, National Institutes of Health
Classification: Uncertain significance for Breast-ovarian cancer, familial, susceptibility to, 2. Last evaluated: 2023-03-09. Review status: criteria provided, single submitter. Criteria: ACMG Guidelines, 2015. Collection method: clinical testing. Allele origin: germline. Inheritance: Autosomal dominant inheritance. Observed: 1 variant allele, 1 heterozygote.
Comment: This missense variant replaces leucine with valine at codon 2362 of the BRCA2 protein. Computational prediction suggests that this variant may not impact protein structure and function (internally defined REVEL score threshold <= 0.5, PMID: 27666373). To our knowledge, functional studies have not been reported for this variant. This variant has not been reported in individuals affected with BRCA2-related disorders in the literature. This variant has not been identified in the general population by the Genome Aggregation Database (gnomAD). The available evidence is insufficient to determine the role of this variant in disease conclusively. Therefore, this variant is classified as a Variant of Uncertain Significance.

This study involves interpretation of variants in research participants for the purpose of population health screening. Participant phenotype was not available at the time of variant classification. Additional details can be found in publication PMID: 35346344, PMCID: PMC8962531

Labcorp Genetics (formerly Invitae), Labcorp
Classification: Uncertain significance for Hereditary breast ovarian cancer syndrome. Last evaluated: 2022-06-20. Review status: criteria provided, single submitter. Criteria: Invitae Variant Classification Sherloc (09022015). Collection method: clinical testing. Allele origin: germline.
Comment: In summary, the available evidence is currently insufficient to determine the role of this variant in disease. Therefore, it has been classified as a Variant of Uncertain Significance. Advanced modeling of protein sequence and biophysical properties (such as structural, functional, and spatial information, amino acid conservation, physicochemical variation, residue mobility, and thermodynamic stability) performed at Invitae indicates that this missense variant is not expected to disrupt BRCA2 protein function. This variant has not been reported in the literature in individuals affected with BRCA2-related conditions. This variant is not present in population databases (gnomAD no frequency). This sequence change replaces leucine, which is neutral and non-polar, with valine, which is neutral and non-polar, at codon 2362 of the BRCA2 protein (p.Leu2362Val).

NM_000059.4(BRCA2):c.7084T>G (p.Leu2362Val)

Gene: BRCA2 (BRCA2 DNA repair associated; plus strand). Cytogenetic location: 13q13.1.
Variant type: single nucleotide variant.
Coding change: c.7084T>G on transcript NM_000059.4 (MANE Select); coding-DNA position 7084, T replaced by G.
Protein change: p.Leu2362Val; replaces leucine 2362 with valine.
Molecular consequence: missense variant.
Genome position (GRCh38, 1-based): chr13:32,354,937, T>G. VCF-style: chr13-32354937-T-G. GRCh37 (hg19) VCF-style: chr13-32929074-T-G.
Other names: c.7084T>G (NM_000059.3); short protein forms L2362V.
Identifiers: ClinVar variation 1512864 (VCV001512864.8), dbSNP rs2072677643, ClinGen allele CA387738496.